The following is an entry in ClinVar:

ClinVar aggregate classification (germline): Benign/Likely benign. Review status: criteria provided, multiple submitters, no conflicts (2 of 4 stars). 3 submissions from 3 submitters: Benign (1); Likely benign (2). Last evaluated 2026-04-30.

Conditions:
Colorectal cancer, hereditary nonpolyposis, type 7. Identifiers: Orphanet 144, MedGen C1858380, MONDO:0013725, OMIM 614385.

Allele frequency attached by ClinVar (database versions not stated): gnomAD 0.00001; TOPMed below 0.00001; ExAC 0.00001.
gnomAD v4.1: 2 of 1,613,642 alleles (0.00012%); highest among the groups gnomAD compares: African/African-American, 0.0013%; no homozygotes.

Submissions (3):

Myriad Genetics, Inc.
Classification: Benign for Colorectal cancer, hereditary nonpolyposis, type 7. Last evaluated: 2026-04-30. Review status: criteria provided, single submitter. Criteria: Myriad Autosomal Dominant, Autosomal Recessive and X-Linked Classification Criteria (2023). Collection method: clinical testing. Allele origin: unknown.
Comment: This variant is considered benign. This variant is a silent/synonymous amino acid change and it is not expected to impact splicing.

Labcorp Genetics (formerly Invitae), Labcorp
Classification: Likely benign for Colorectal cancer, hereditary nonpolyposis, type 7. Last evaluated: 2022-12-25. Review status: criteria provided, single submitter. Criteria: Invitae Variant Classification Sherloc (09022015). Collection method: clinical testing. Allele origin: germline.

Ambry Genetics
Classification: Likely benign. Last evaluated: 2022-06-01. Review status: criteria provided, single submitter. Criteria: Ambry Variant Classification Scheme 2023. Collection method: clinical testing. Allele origin: germline.

NM_001040108.2(MLH3):c.1434A>G (p.Ala478=)

Gene: MLH3 (mutL homolog 3; minus strand). Cytogenetic location: 14q24.3.
Variant type: single nucleotide variant.
Coding change: c.1434A>G on transcript NM_001040108.2 (MANE Select); coding-DNA position 1434, A replaced by G.
Protein change: p.Ala478=; no amino-acid change (alanine 478 retained).
Molecular consequence: synonymous variant.
Genome position (GRCh38, 1-based): chr14:75,048,222, T>C on the plus strand (A>G on the coding strand, the complement: MLH3 is on the minus strand). VCF-style: chr14-75048222-T-C. GRCh37 (hg19) VCF-style: chr14-75514925-T-C.
Other names: c.1434A>G, p.Ala478= (NM_014381.3).
Identifiers: ClinVar variation 1772571 (VCV001772571.6), dbSNP rs755697104, ClinGen allele CA7275875.